The following is an entry in ClinVar:

NM_000069.3(CACNA1S):c.1881C>T (p.Tyr627=)

Gene: CACNA1S (calcium voltage-gated channel subunit alpha1 S; minus strand). Cytogenetic location: 1q32.1.
Variant type: single nucleotide variant.
Coding change: c.1881C>T on transcript NM_000069.3 (MANE Select); coding-DNA position 1881, C replaced by T.
Protein change: p.Tyr627=; no amino-acid change (tyrosine 627 retained).
Molecular consequence: synonymous variant.
Genome position (GRCh38, 1-based): chr1:201,075,562, G>A on the plus strand (C>T on the coding strand, the complement: CACNA1S is on the minus strand). VCF-style: chr1-201075562-G-A. GRCh37 (hg19) VCF-style: chr1-201044690-G-A.
Identifiers: ClinVar variation 294755 (VCV000294755.24), dbSNP rs145689664, ClinGen allele CA078642.

ClinVar aggregate classification (germline): Benign/Likely benign. Review status: criteria provided, multiple submitters, no conflicts (2 of 4 stars). 10 submissions from 7 submitters: Benign (5); Likely benign (4). 1 of the submissions does not count toward it. Last evaluated 2026-03-01.

Conditions:
CACNA1S-related disorder. Also called: CACNA1S-related condition.
Hypokalemic periodic paralysis, type 1. Also called: HypoPP; Hypokalemic Periodic Paralysis Type 1 (AD). Identifiers: Orphanet 681, MedGen C3714580, MONDO:0042979, OMIM 170400.
Malignant hyperthermia, susceptibility to, 5 (MHS5). Also called: CACNA1S-Related Malignant Hyperthermia Susceptibility. Identifiers: Orphanet 423, MedGen C1866077, MONDO:0011163, OMIM 601887.
Congenital myopathy 18. Also called: Myopathy, congenital, due to dihydropyridine receptor defect; DIHYDROPYRIDINE RECEPTOR CONGENITAL MYOPATHY; DHPR CONGENITAL MYOPATHY. Identifiers: MedGen C5830283, MONDO:0859514, OMIM 620246.
Thyrotoxic periodic paralysis, susceptibility to, 1 (TTPP1). Identifiers: Orphanet 79102, MedGen C2749982, MONDO:0008570, OMIM 188580.

Allele frequency attached by ClinVar (database versions not stated): gnomAD exomes 0.00002 and 0.00006; ESP Exome Variant Server 0.00008; ExAC 0.00009; gnomAD 0.00009 and 0.00010; TOPMed 0.00009; 1000 Genomes Project 0.00060; 1000 Genomes Project 30x 0.00078.
gnomAD v4.1: 45 of 1,613,872 alleles (0.0028%); highest among the groups gnomAD compares: African/African-American, 0.02%; no homozygotes.

Submissions (10):

CeGaT Center for Human Genetics Tuebingen
Classification: Likely benign. Last evaluated: 2026-03-01. Review status: criteria provided, single submitter. Criteria: CeGaT Center For Human Genetics Tuebingen Variant Classification Criteria Version 2. Collection method: clinical testing. Allele origin: germline. Affected: yes. Observed: 1 variant allele.
Comment: CACNA1S: BP4, BP7

Labcorp Genetics (formerly Invitae), Labcorp
Classification: Likely benign for Hypokalemic periodic paralysis, type 1; Malignant hyperthermia, susceptibility to, 5. Last evaluated: 2025-06-16. Review status: criteria provided, single submitter. Criteria: Invitae Variant Classification Sherloc (09022015). Collection method: clinical testing. Allele origin: germline.

All of Us Research Program, National Institutes of Health
Classification: Likely benign for Malignant hyperthermia, susceptibility to, 5. Last evaluated: 2024-02-05. Review status: criteria provided, single submitter. Criteria: ACMG Guidelines, 2015. Collection method: clinical testing. Allele origin: germline. Inheritance: Autosomal dominant inheritance. Observed: 7 variant alleles, 7 heterozygotes.
Comment: This study involves interpretation of variants in research participants for the purpose of population health screening. Participant phenotype was not available at the time of variant classification. Additional details can be found in publication PMID: 35346344, PMCID: PMC8962531

Genome-Nilou Lab
Classification: Benign for Malignant hyperthermia, susceptibility to, 5. Last evaluated: 2023-04-11. Review status: criteria provided, single submitter. Criteria: ACMG Guidelines, 2015. Collection method: clinical testing. Allele origin: germline. Affected: no.

Genome-Nilou Lab
Classification: Benign for Thyrotoxic periodic paralysis, susceptibility to, 1. Last evaluated: 2023-04-11. Review status: criteria provided, single submitter. Criteria: ACMG Guidelines, 2015. Collection method: clinical testing. Allele origin: germline. Affected: no.

Genome-Nilou Lab
Classification: Benign for Congenital myopathy 18. Last evaluated: 2023-04-11. Review status: criteria provided, single submitter. Criteria: ACMG Guidelines, 2015. Collection method: clinical testing. Allele origin: germline. Affected: no.

Genome-Nilou Lab
Classification: Benign for Hypokalemic periodic paralysis, type 1. Last evaluated: 2023-04-11. Review status: criteria provided, single submitter. Criteria: ACMG Guidelines, 2015. Collection method: clinical testing. Allele origin: germline. Affected: no.

Color Diagnostics, LLC DBA Color Health
Classification: Likely benign for Malignant hyperthermia, susceptibility to, 5. Last evaluated: 2022-11-06. Review status: criteria provided, single submitter. Criteria: ACMG Guidelines, 2015. Collection method: clinical testing. Allele origin: germline.

Illumina Laboratory Services, Illumina
Classification: Benign for Hypokalemic periodic paralysis, type 1. Last evaluated: 2018-01-13. Review status: criteria provided, single submitter. Criteria: ICSL Variant Classification Criteria 13 December 2019. Collection method: clinical testing. Allele origin: germline.
Comment: This variant was observed in the ICSL laboratory as part of a predisposition screen in an ostensibly healthy population. It had not been previously curated by ICSL or reported in the Human Gene Mutation Database (HGMD: prior to June 1st, 2018), and was therefore a candidate for classification through an automated scoring system. Utilizing variant allele frequency, disease prevalence and penetrance estimates, and inheritance mode, an automated score was calculated to assess if this variant is too frequent to cause the disease. Based on the score and internal cut-off values, a variant classified as benign is not then subjected to further curation. The score for this variant resulted in a classification of benign for this disease.

PreventionGenetics, part of Exact Sciences
Classification: Likely benign for CACNA1S-related condition. Last evaluated: 2019-07-01. Review status: no assertion criteria provided. Collection method: clinical testing. Allele origin: germline. Not counted in ClinVar's aggregate classification.
Comment: This variant is classified as likely benign based on ACMG/AMP sequence variant interpretation guidelines (Richards et al. 2015 PMID: 25741868, with internal and published modifications).